The following is an entry in ClinVar:

NM_001276345.2(TNNT2):c.847A>G (p.Lys283Glu)

Gene: TNNT2 (troponin T2, cardiac type; minus strand). Cytogenetic location: 1q32.1.
Variant type: single nucleotide variant.
Coding change: c.847A>G on transcript NM_001276345.2 (MANE Select); coding-DNA position 847, A replaced by G.
Protein change: p.Lys283Glu; replaces lysine 283 with glutamic acid.
Molecular consequence: missense variant.
Genome position (GRCh38, 1-based): chr1:201,359,627, T>C on the plus strand (A>G on the coding strand, the complement: TNNT2 is on the minus strand). VCF-style: chr1-201359627-T-C. GRCh37 (hg19) VCF-style: chr1-201328755-T-C.
Other names: c.838A>G, p.Lys280Glu (NM_000364.4); c.817A>G, p.Lys273Glu (NM_001001430.3, NM_001276347.2); c.808A>G, p.Lys270Glu (NM_001001431.3); c.799A>G, p.Lys267Glu (NM_001001432.3); c.718A>G, p.Lys240Glu (NM_001276346.2); short protein forms K273E, K280E, K283E, K240E, K267E, K270E.
Identifiers: ClinVar variation 431937 (VCV000431937.3), dbSNP rs1553279294, ClinGen allele CA344202333.

ClinVar aggregate classification (germline): Pathogenic. Review status: criteria provided, single submitter (1 of 4 stars). 2 submissions from 2 submitters: Pathogenic (1). 1 of the submissions does not count toward it. Last evaluated 2017-09-28.

Conditions:
Hypertrophic cardiomyopathy. Also called: HYPERTROPHIC MYOCARDIOPATHY. Identifiers: Orphanet 217569, MedGen C0007194, MeSH D002312, MONDO:0005045, HP:0001639.

Submissions (2):

GeneDx
Classification: Pathogenic. Last evaluated: 2017-09-28. Review status: criteria provided, single submitter. Criteria: GeneDx Variant Classification (06012015). Collection method: clinical testing. Allele origin: germline. Affected: yes.
Comment: A published K273E variant that is pathogenic was identified in the TNNT2 gene. Fujino et al. (2002) observed the K273E variant segregated with HCM in two families. In the first family, K273E segregated in five living individuals with HCM and there were multiple untested family members with sudden death, one of whom is an obligate carrier of the variant based on pedigree structure. In the second family, K273E was observed in four individuals with HCM over three generations (Fujino et al., 2002). Additionally, the K273E variant is not observed in large population cohorts (Lek et al., 2016), indicating it is not a common benign variant.The K273E variant is a non-conservative amino acid substitution, which is likely to impact secondary protein structure as these residues differ in polarity, charge, size and/or other properties and this substitution occurs at a position that is conserved across species. In silico analysis predicts this variant is probably damaging to the protein structure/function. Furthermore, functional studies suggest K273E increases muscle fiber Ca2+ sensitivity and was completely uncoupled from troponin-I phosphorylation levels, a similar effect to other TNNT2 pathogenic variants (Venkatraman et al., 2003; Messer et al., 2016).In summary, K273E in the TNNT2 gene is interpreted as a pathogenic variant.

Zaffran Lab, Genetics of Cardiac Diseases Laboratory, Marseille Medical Genetics
Classification: Likely pathogenic for hypertrophic cardiomyopathy. Review status: no assertion criteria provided. Collection method: research. Allele origin: unknown. Affected: yes. Not counted in ClinVar's aggregate classification.